The following is an entry in ClinVar:

ClinVar aggregate classification (germline): Uncertain significance (1 of 4 stars; one submission).

Conditions:
CHARGE syndrome (CHARGE). Also called: Hittner Hirsch Kreh syndrome; CHARGE ASSOCIATION--COLOBOMA, HEART ANOMALY, CHOANAL ATRESIA, RETARDATION, GENITAL AND EAR ANOMALIES; Coloboma, heart anomaly, choanal atresia, retardation, genital and ear anomalies; CHARGE association; Hall-Hittner syndrome. Identifiers: Orphanet 138, MedGen C0265354, MONDO:0008965.

Allele frequency attached by ClinVar (database versions not stated): gnomAD exomes below 0.00001.
gnomAD v4.1: 1 of 1,611,146 alleles (0.000062%); highest among the groups gnomAD compares: Non-Finnish European, 0.000085%; no homozygotes.

Submission:

Labcorp Genetics (formerly Invitae), Labcorp
Classification: Uncertain significance for CHARGE syndrome. Last evaluated: 2021-10-14. Review status: criteria provided, single submitter. Criteria: Invitae Variant Classification Sherloc (09022015). Collection method: clinical testing. Allele origin: germline.
Comment: This sequence change replaces lysine with glutamine at codon 2722 of the CHD7 protein (p.Lys2722Gln). The lysine residue is highly conserved and there is a small physicochemical difference between lysine and glutamine. Advanced modeling of protein sequence and biophysical properties (such as structural, functional, and spatial information, amino acid conservation, physicochemical variation, residue mobility, and thermodynamic stability) performed at Invitae indicates that this missense variant is not expected to disrupt CHD7 protein function. In summary, the available evidence is currently insufficient to determine the role of this variant in disease. Therefore, it has been classified as a Variant of Uncertain Significance. This variant is not present in population databases (ExAC no frequency). This variant has not been reported in the literature in individuals affected with CHD7-related conditions.

NM_017780.4(CHD7):c.8164A>C (p.Lys2722Gln)

Gene: CHD7 (chromodomain helicase DNA binding protein 7; plus strand). Cytogenetic location: 8q12.2.
Variant type: single nucleotide variant.
Coding change: c.8164A>C on transcript NM_017780.4 (MANE Select); coding-DNA position 8164, A replaced by C.
Protein change: p.Lys2722Gln; replaces lysine 2722 with glutamine.
Molecular consequence: missense variant.
Genome position (GRCh38, 1-based): chr8:60,865,103, A>C. VCF-style: chr8-60865103-A-C. GRCh37 (hg19) VCF-style: chr8-61777662-A-C.
Other names: c.2017A>C, p.Lys673Gln (NM_001316690.1); short protein forms K673Q, K2722Q.
Identifiers: ClinVar variation 1393105 (VCV001393105.6), dbSNP rs1586467143, ClinGen allele CA371307446.